The following is an entry in ClinVar:

NM_000212.3(ITGB3):c.1185del (p.Phe396fs)

Gene: ITGB3 (integrin subunit beta 3; plus strand). Cytogenetic location: 17q21.32.
Variant type: Deletion.
Coding change: c.1185del on transcript NM_000212.3 (MANE Select); coding-DNA position 1185, one base deleted (C; older notation c.1185delC).
Protein change: p.Phe396fs; shifts the reading frame from phenylalanine 396.
Molecular consequence: frameshift variant.
Genome position (GRCh38, 1-based): chr17:47,291,013, C deleted; the last of 2 consecutive C bases (chr17:47,291,012-47,291,013); deleting either gives the same sequence. VCF-style (leftmost placement, unchanged base first): chr17-47291011-TC-T. GRCh37 (hg19) VCF-style: chr17-45368377-TC-T.
Other names: NM_000212.3:c.1185del; short protein forms F396fs.
Identifiers: ClinVar variation 1879059 (VCV001879059.1), dbSNP rs2547618403, ClinGen allele CA915940263.

ClinVar aggregate classification (germline): Pathogenic (3 of 4 stars; one submission).

Conditions:
Glanzmann thrombasthenia. Also called: PLATELET GLYCOPROTEIN IIb-IIIa DEFICIENCY; BLEEDING DISORDER, PLATELET-TYPE, 2; THROMBASTHENIA OF GLANZMANN AND NAEGELI; Thrombasthenia; Glanzmann's thrombasthenia. Identifiers: Orphanet 849, MedGen C0040015, MONDO:0100326.

Submission:

ClinGen Platelet Disorders Variant Curation Expert Panel, ClinGen
Classification: Pathogenic for Glanzmann thrombasthenia. Last evaluated: 2022-12-01. Review status: reviewed by expert panel. Criteria: ClinGen Platelet ACMG Specifications v2-1. Collection method: curation. Allele origin: germline. Inheritance: Autosomal recessive inheritance.
Comment: NM_000212.3(ITGB3):c.1185del (p.Phe396SerfsTer26) found in a homozygous proband (PMID: 29084015; PM3_supporting) causes a premature stop codon at exon 10 and is predicted to undergo nonsense mediated decay (PVS1). The affected individual displayed abnormal bleeding and an impaired response to agonists, with a normal response to ristocetin, which is characteristic of GT. Additionally, αIIbβ3 surface expression was absent (<25%), as measured by flow cytometry (PP4_moderate). The mutation was not found in gnomAD v2.1.1 (PM2_supporting). In summary, this variant meets the criteria to be classified as pathogenic for autosomal recessive Glanzmann Thrombasthenia based on the ACMG/AMP criteria applied, as specified by the ClinGen PD VCEP: PVS1, PM2_supporting, PP4_moderate, and PM3_supporting.